The following is an entry in ClinVar:

ClinVar aggregate classification (germline): Likely pathogenic (1 of 4 stars; one submission).

Conditions:
Spinocerebellar ataxia 42, early-onset, severe, with neurodevelopmental deficits. Identifiers: MedGen C4748120, MONDO:0060758, OMIM 618087.
Spinocerebellar ataxia type 42. Identifiers: Orphanet 458803, MedGen C4225205, MONDO:0014776, OMIM 616795.

Submission:

Juno Genomics, Hangzhou Juno Genomics, Inc
Classification: Likely pathogenic for Spinocerebellar ataxia type 42; Spinocerebellar ataxia 42, early-onset, severe, with neurodevelopmental deficits. Review status: criteria provided, single submitter. Criteria: ACMG Guidelines, 2015. Collection method: clinical testing. Allele origin: germline. Affected: yes.
Comment: Absent from controls (or at extremely low frequency if recessive) in Genome Aggregation Database, Exome Sequencing Project, 1000 Genomes Project, or Exome Aggregation Consortium.;Multiple lines of computational evidence support a deleterious effect on the gene or gene product (conservation, evolutionary, splicing impact, etc).;Missense variant in a gene that has a low rate of benign missense variation and where missense variants are a common mechanism of disease.

NM_018896.5(CACNA1G):c.4931A>T (p.Lys1644Met)

Gene: CACNA1G (calcium voltage-gated channel subunit alpha1 G; plus strand). Cytogenetic location: 17q21.33.
Variant type: single nucleotide variant.
Coding change: c.4931A>T on transcript NM_018896.5 (MANE Select); coding-DNA position 4931, A replaced by T.
Protein change: p.Lys1644Met; replaces lysine 1644 with methionine.
Molecular consequence: missense variant. On other transcripts: non-coding transcript variant (5).
Genome position (GRCh38, 1-based): chr17:50,616,294, A>T. VCF-style: chr17-50616294-A-T. GRCh37 (hg19) VCF-style: chr17-48693655-A-T.
Other names: c.4796A>T, p.Lys1599Met (NM_001256326.2, NM_001256330.2); c.4931A>T, p.Lys1644Met (NM_001256327.2, NM_001256333.2, NM_198384.3 and 1 more transcripts); c.4877A>T, p.Lys1626Met (NM_001256328.2, NM_001256324.2, NM_198386.3); c.4829A>T, p.Lys1610Met (NM_001256329.2, NM_198387.3, NM_198396.3 and 2 more transcripts); c.4775A>T, p.Lys1592Met (NM_001256331.2); c.4760A>T, p.Lys1587Met (NM_001256332.2); c.4898A>T, p.Lys1633Met (NM_001256334.2, NM_198377.3, NM_198378.3 and 1 more transcripts); c.4952A>T, p.Lys1651Met (NM_001256325.2); and 5 more; short protein forms K1587M, K1592M, K1599M, K1603M, K1606M, K1608M, K1610M, K1617M.
Identifiers: ClinVar variation 3382414 (VCV003382414.2).
Genomic context (GRCh38, chr17:50,616,294, plus strand): 5'-GGGCCTTAAGGGACCCTGCATCTTGCCCCCATCCCTGCCAGATTCTGGATGAGGCTCTGA[A>T]GATCTGCAACTACATCTTCACTGTCATCTTTGTCTTGGAGTCAGTTTTCAAACTTGTGGC-3'
Protein context (NP_061496.2, residues 1634-1654): QQPQILDEAL[Lys1644Met]ICNYIFTVIF